The following is an entry in ClinVar:

ClinVar aggregate classification (germline): Benign (0 of 4 stars; one submission).

Conditions:
KRT17-related disorder. Also called: KRT17-related condition.

Allele frequency attached by ClinVar (database versions not stated): ESP Exome Variant Server 0.06439; 1000 Genomes Project 0.07628; 1000 Genomes Project 30x 0.07917; TOPMed 0.08457.

Submission:

PreventionGenetics, part of Exact Sciences
Classification: Benign for KRT17-related condition. Last evaluated: 2020-01-03. Review status: no assertion criteria provided. Collection method: clinical testing. Allele origin: germline.
Comment: This variant is classified as benign based on ACMG/AMP sequence variant interpretation guidelines (Richards et al. 2015 PMID: 25741868, with internal and published modifications).

NM_000422.3(KRT17):c.-10C>T

Gene: KRT17 (keratin 17; minus strand). Cytogenetic location: 17q21.2.
Variant type: single nucleotide variant.
Coding change: c.-10C>T on transcript NM_000422.3 (MANE Select); 10 bases upstream of the start codon, C replaced by T.
Molecular consequence: 5 prime UTR variant.
Genome position (GRCh38, 1-based): chr17:41,624,519, G>A on the plus strand (C>T on the coding strand, the complement: KRT17 is on the minus strand). VCF-style: chr17-41624519-G-A. GRCh37 (hg19) VCF-style: chr17-39780771-G-A.
Identifiers: ClinVar variation 3055256 (VCV003055256.2), dbSNP rs14253, ClinGen allele CA8563898.